The following is an entry in ClinVar:

ClinVar aggregate classification (germline): Pathogenic (1 of 4 stars; one submission).

Submission:

GeneDx
Classification: Pathogenic. Last evaluated: 2016-11-03. Review status: criteria provided, single submitter. Criteria: GeneDx Variant Classification (06012015). Collection method: clinical testing. Allele origin: germline. Affected: yes.
Comment: Although the c.82495_82496delCCins21 pathogenic variant in the TTN gene has not been reportedto our knowledge, this variant causes a shift in reading frame starting at codon Proline 27499,changing it to a Cysteine, and creating a premature stop codon at position 3 of the new reading frame,denoted p.Pro27499CysfsX3. This pathogenic variant is expected to result in either an abnormal,truncated protein product or loss of protein from this allele through nonsense-mediated mRNA decay.Other truncating TTN variants have been reported in approximately 3% of control alleles, however,c.82495_82496delCCins21 is located in the A-band region of titin, where the majority of truncatingmutations associated with DCM have been reported (Herman et al., 2012). Furthermore,c.82495_82496delCCins21 was not observed in approximately 6,100 individuals of European andAfrican American ancestry in the NHLBI Exome Sequencing Project, nor was it observed in theExome Aggregation Consortium (ExAC), indicating it is not a common benign variant in thesepopulations.

NM_001267550.2(TTN):c.87418_87419delinsTGTTATTAGTGATATATCTAA (p.Pro29140delinsCysTyrTer)

Genes: TTN (titin; minus strand), TTN-AS1 (TTN antisense RNA 1; plus strand). Cytogenetic location: 2q31.2.
Variant type: Indel.
Coding change: c.87418_87419delinsTGTTATTAGTGATATATCTAA on transcript NM_001267550.2 (MANE Select); coding-DNA positions 87418 to 87419, CC replaced by TGTTATTAGTGATATATCTAA.
Protein change: p.Pro29140delinsCysTyrTer.
Molecular consequence: nonsense.
Genome position (GRCh38, 1-based): chr2:178,557,935-178,557,936, GG replaced by TTAGATATATCACTAATAACA on the plus strand (CC replaced by TGTTATTAGTGATATATCTAA on the coding strand, the reverse complement: TTN is on the minus strand). VCF-style: chr2-178557935-GG-TTAGATATATCACTAATAACA. GRCh37 (hg19) VCF-style: chr2-179422662-GG-TTAGATATATCACTAATAACA.
Other names: c.82495_82496delinsTGTTATTAGTGATATATCTAA, p.Pro27499delinsCysTyrTer (NM_001256850.1); c.60223_60224delinsTGTTATTAGTGATATATCTAA, p.Pro20075delinsCysTyrTer (NM_003319.4); c.79714_79715delinsTGTTATTAGTGATATATCTAA, p.Pro26572delinsCysTyrTer (NM_133378.4); c.60598_60599delinsTGTTATTAGTGATATATCTAA, p.Pro20200delinsCysTyrTer (NM_133432.3); c.60799_60800delinsTGTTATTAGTGATATATCTAA, p.Pro20267delinsCysTyrTer (NM_133437.4); c.82495_82496delCCinsTGTTATTAGTGATATATCTAA (NM_001256850.1).
Identifiers: ClinVar variation 202485 (VCV000202485.1), dbSNP rs794729357, ClinGen allele CA309448.
Genomic context (GRCh38, chr2:178,557,935, plus strand): 5'-TCCCATTTGAGAGTCACACTTTCTTCAGTTATATCACTAATAACAACAGGGCCAGTTGGA[GG>TTAGATATATCACTAATAACA]ACCAGGCCTGTCTAGCACAACAATGTTAATGAAAGCTTTGGTTGTACCACTGGAGTTGGC-3'